The following is an entry in ClinVar:

ClinVar aggregate classification (germline): Conflicting classifications of pathogenicity. Review status: criteria provided, conflicting classifications (1 of 4 stars). 2 submissions from 2 submitters: Uncertain significance (1); Likely benign (1). Last evaluated 2023-03-23.

Conditions:
Hereditary breast ovarian cancer syndrome. Also called: BRCA1- and BRCA2-Associated Hereditary Breast and Ovarian Cancer; Hereditary breast and ovarian cancer syndrome; Hereditary breast and ovarian cancer syndrome (HBOC); Hereditary breast and/or ovarian cancer syndrome; Breast and ovarian cancer; Hereditary breast and ovarian cancer. Identifiers: Orphanet 145, MedGen C0677776, MeSH D061325, MONDO:0003582. Disease mechanism: loss of function.
Hereditary cancer-predisposing syndrome. Also called: Hereditary neoplastic syndrome; Neoplastic Syndromes, Hereditary; Hereditary Cancer Syndrome; Tumor predisposition. Identifiers: Orphanet 140162, MedGen C0027672, MeSH D009386, MONDO:0015356.

Submissions (2):

University of Washington Department of Laboratory Medicine, University of Washington
Classification: Likely benign for Hereditary cancer-predisposing syndrome. Last evaluated: 2023-03-23. Review status: criteria provided, single submitter. Criteria: Dines et al. (Genet Med. 2020). Collection method: curation. Allele origin: germline.
Comment: Missense variant in a coldspot region where missense variants are very unlikely to be pathogenic (PMID:31911673).

BRCA1 coldspot (exon 11 using historical exon numbering). Reclassification based on statistical prior probability

Labcorp Genetics (formerly Invitae), Labcorp
Classification: Uncertain significance for Hereditary breast ovarian cancer syndrome. Last evaluated: 2018-07-31. Review status: criteria provided, single submitter. Criteria: Invitae Variant Classification Sherloc (09022015). Collection method: clinical testing. Allele origin: germline.
Comment: In summary, the available evidence is currently insufficient to determine the role of this variant in disease. Therefore, it has been classified as a Variant of Uncertain Significance. This sequence change replaces valine with isoleucine at codon 1047 of the BRCA1 protein (p.Val1047Ile). The valine residue is moderately conserved and there is a small physicochemical difference between valine and isoleucine. This variant is not present in population databases (ExAC no frequency). This variant has not been reported in the literature in individuals with BRCA1-related disease. Algorithms developed to predict the effect of missense changes on protein structure and function (SIFT, PolyPhen-2, Align-GVGD) all suggest that this variant is likely to be tolerated, but these predictions have not been confirmed by published functional studies and their clinical significance is uncertain.

NM_007294.4(BRCA1):c.3139G>A (p.Val1047Ile)

Gene: BRCA1 (BRCA1 DNA repair associated; minus strand). Cytogenetic location: 17q21.31.
Variant type: single nucleotide variant.
Coding change: c.3139G>A on transcript NM_007294.4 (MANE Select); coding-DNA position 3139, G replaced by A.
Protein change: p.Val1047Ile; replaces valine 1047 with isoleucine.
Molecular consequence: missense variant. On other transcripts: intron variant (137).
Genome position (GRCh38, 1-based): chr17:43,092,392, C>T on the plus strand (G>A on the coding strand, the complement: BRCA1 is on the minus strand). VCF-style: chr17-43092392-C-T. GRCh37 (hg19) VCF-style: chr17-41244409-C-T.
Other names: c.2926G>A, p.Val976Ile (NM_001407571.1, NM_001407853.1, NM_001407894.1 and 9 more transcripts); c.3139G>A, p.Val1047Ile (NM_001407581.1, NM_001407582.1, NM_001407583.1 and 30 more transcripts); c.3136G>A, p.Val1046Ile (NM_001407587.1, NM_001407590.1, NM_001407591.1 and 22 more transcripts); c.3130G>A, p.Val1044Ile (NM_001407646.1, NM_001407647.1); c.3016G>A, p.Val1006Ile (NM_001407648.1, NM_001407664.1, NM_001407665.1 and 19 more transcripts); c.3013G>A, p.Val1005Ile (NM_001407649.1, NM_001407670.1, NM_001407671.1 and 11 more transcripts); c.3061G>A, p.Val1021Ile (NM_001407653.1, NM_001407654.1, NM_001407655.1 and 4 more transcripts); c.3058G>A, p.Val1020Ile (NM_001407659.1, NM_001407660.1, NM_001407661.1 and 1 more transcripts); and 41 more; short protein forms V1000I, V1047I, V980I, V1006I, V1021I, V751I, V935I, V936I.
Identifiers: ClinVar variation 659737 (VCV000659737.12), dbSNP rs1597865476, ClinGen allele CA10595703.
Genomic context (GRCh38, chr17:43,092,392, plus strand): 5'-TTTCATCACTGGAACCTATTTCATTAATACTGGAGCCCACTTCATTAGTACTGGAACCTA[C>T]TTCATTAATATTGCTTGAGCTGGCTTCTTTAAAAACATTTTCTCTAATGTTATTACGGCT-3'
Protein context (NP_009225.1, residues 1037-1057): KEASSSNINE[Val1047Ile]GSSTNEVGSS